The following is an entry in ClinVar:

ClinVar aggregate classification (germline): Likely benign (1 of 4 stars; one submission).

Conditions:
CFAP74-related disorder. Also called: CFAP74-related condition.

gnomAD v4.1: 196 of 1,535,038 alleles (0.013%); highest among the groups gnomAD compares: African/African-American, 0.23%; no homozygotes.

Submission:

PreventionGenetics, part of Exact Sciences
Classification: Likely benign for CFAP74-related condition. Last evaluated: 2025-12-06. Review status: criteria provided, single submitter. Criteria: ACMG Guidelines, 2015. Collection method: clinical testing. Allele origin: germline.
Comment: This variant is classified as likely benign based on ACMG/AMP sequence variant interpretation guidelines (Richards et al. 2015 PMID: 25741868, with internal and published modifications).

NM_001304360.2(CFAP74):c.2475C>T (p.Leu825=)

Gene: CFAP74 (cilia and flagella associated protein 74; minus strand). Cytogenetic location: 1p36.33.
Variant type: single nucleotide variant.
Coding change: c.2475C>T on transcript NM_001304360.2 (MANE Select); coding-DNA position 2475, C replaced by T.
Protein change: p.Leu825=; no amino-acid change (leucine 825 retained).
Molecular consequence: synonymous variant.
Genome position (GRCh38, 1-based): chr1:1,944,342, G>A on the plus strand (C>T on the coding strand, the complement: CFAP74 is on the minus strand). VCF-style: chr1-1944342-G-A. GRCh37 (hg19) VCF-style: chr1-1875781-G-A.
Identifiers: ClinVar variation 4981275 (VCV004981275.1).
Genomic context (GRCh38, chr1:1,944,342, plus strand): 5'-ACCCCGTGTGCGTGGGTCACCCCGTGTGCATGGACAGGAGGGGGCTCACCGCGTGTGCAC[G>A]AGCACAGAGTCCTGGTAGAGCCGGTCATACATGCAGATCTTCAGGTCCACGCTGGGCTTC-3'
Protein context (NP_001291289.1, residues 815-835): MYDRLYQDSV[Leu825=]VHTRSKAALR